The following is an entry in ClinVar:

ClinVar aggregate classification (germline): Pathogenic. Review status: criteria provided, single submitter (1 of 4 stars). 2 submissions from 2 submitters: Pathogenic (1). 1 of the submissions does not count toward it. Last evaluated 2025-04-03.

Conditions:
Primary hyperoxaluria, type I (HP1). Also called: Primary hyperoxaluria type 1; GLYCOLIC ACIDURIA; HEPATIC AGT DEFICIENCY; OXALOSIS I. Identifiers: Orphanet 416, Orphanet 93598, MedGen C0268164, MONDO:0009823, OMIM 259900. Disease mechanism: loss of function.

Allele frequency attached by ClinVar (database versions not stated): gnomAD exomes below 0.00001.

Submissions (2):

Myriad Genetics, Inc.
Classification: Pathogenic for Primary hyperoxaluria, type I. Last evaluated: 2025-04-03. Review status: criteria provided, single submitter. Criteria: Myriad Autosomal Dominant, Autosomal Recessive and X-Linked Classification Criteria (2023). Collection method: clinical testing. Allele origin: unknown.
Comment: NM_000030.2(AGXT):c.409C>T(Q137*) is expected to be pathogenic in the context of primary hyperoxaluria type 1. This variant is predicted to lead to an abnormal or absent protein product due to the creation of a premature termination codon in AGXT, a gene where loss-of-function variants are known to be pathogenic. Please note: this variant was assessed in the context of healthy population screening.

Clinical Biochemistry Laboratory, Health Services Laboratory
Classification: Pathogenic for Primary hyperoxaluria, type I. Last evaluated: 2014-11-27. Review status: no assertion criteria provided. Collection method: research. Allele origin: germline. Affected: yes. Not counted in ClinVar's aggregate classification.

Literature cited by the submitters: PubMed 19479957 (cited by Clinical Biochemistry Laboratory, Health Services Laboratory).

NM_000030.3(AGXT):c.409C>T (p.Gln137Ter)

Gene: AGXT (alanine--glyoxylate aminotransferase; plus strand). Cytogenetic location: 2q37.3.
Variant type: single nucleotide variant.
Coding change: c.409C>T on transcript NM_000030.3 (MANE Select); coding-DNA position 409, C replaced by T.
Protein change: p.Gln137Ter; replaces glutamine 137 with a stop codon.
Molecular consequence: nonsense.
Genome position (GRCh38, 1-based): chr2:240,870,694, C>T. VCF-style: chr2-240870694-C-T. GRCh37 (hg19) VCF-style: chr2-241810111-C-T.
Other names: short protein forms Q137*.
Identifiers: ClinVar variation 204099 (VCV000204099.3), dbSNP rs180177214, ClinGen allele CA275686.
Genomic context (GRCh38, chr2:240,870,694, plus strand): 5'-CTGCACCCAGGAGCCCGAGTGCACCCGATGACCAAGGACCCTGGAGGCCACTACACACTG[C>T]AGGAGGTGGAGGAGGTAGGGGACCCGGGGTGGGGGTCAGGGCCGGGAGGAGGTGGGAGTG-3'